The following is an entry in ClinVar:

ClinVar aggregate classification (germline): Conflicting classifications of pathogenicity. Review status: criteria provided, conflicting classifications (1 of 4 stars). 3 submissions from 3 submitters: Uncertain significance (1); Likely benign (2). Last evaluated 2025-12-22.

Submissions (3):

Labcorp Genetics (formerly Invitae), Labcorp
Classification: Likely benign. Last evaluated: 2025-12-22. Review status: criteria provided, single submitter. Criteria: Invitae Variant Classification Sherloc (09022015). Collection method: clinical testing. Allele origin: germline.

Blueprint Genetics
Classification: Uncertain significance. Last evaluated: 2024-09-16. Review status: criteria provided, single submitter. Criteria: ACMG Guidelines, 2015. Collection method: clinical testing. Allele origin: germline.

CeGaT Center for Human Genetics Tuebingen
Classification: Likely benign. Last evaluated: 2024-08-01. Review status: criteria provided, single submitter. Criteria: CeGaT Center For Human Genetics Tuebingen Variant Classification Criteria Version 2. Collection method: clinical testing. Allele origin: germline. Affected: yes. Observed: 1 variant allele.
Comment: NAA15: BP4

NM_057175.5(NAA15):c.1088-6_1088-4del

Gene: NAA15 (N-alpha-acetyltransferase 15, NatA auxiliary subunit; plus strand). Cytogenetic location: 4q31.1.
Variant type: Deletion.
Coding change: c.1088-6_1088-4del on transcript NM_057175.5 (MANE Select); 6 bases into the intron before coding-DNA position 1088 through 4 bases into the intron before coding-DNA position 1088, 3 bases deleted (CCT; older notation c.1088-6_1088-4delCCT).
Molecular consequence: intron variant.
Genome position (GRCh38, 1-based): chr4:139,357,380-139,357,382, CCT deleted; deleting any 3 consecutive bases within chr4:139,357,378-139,357,382 gives the same sequence; the c. name uses the placement nearest the transcript's 3' end. VCF-style (leftmost placement, unchanged base first): chr4-139357377-TCTC-T. GRCh37 (hg19) VCF-style: chr4-140278531-TCTC-T.
Identifiers: ClinVar variation 2174632 (VCV002174632.21), dbSNP rs761221497, ClinGen allele CA3083572.
Genomic context (GRCh38, chr4:139,357,377, plus strand): 5'-GACCATTTTGGGGGGTGCTCTTAATATATGTAATGCCTCATCTTGGTTTCTTCTCCCTCT[TCTC>T]CTAAGATGATGGAAAGGAGGAACCACCAACCACATTACTTTGGGTCCAGTACTACTTGGC-3'